The following is an entry in ClinVar:

ClinVar aggregate classification (germline): Uncertain significance (1 of 4 stars; one submission).

Submission:

Labcorp Genetics (formerly Invitae), Labcorp
Classification: Uncertain significance. Last evaluated: 2022-08-14. Review status: criteria provided, single submitter. Criteria: Invitae Variant Classification Sherloc (09022015). Collection method: clinical testing. Allele origin: germline.
Comment: This sequence change replaces threonine, which is neutral and polar, with serine, which is neutral and polar, at codon 553 of the NBAS protein (p.Thr553Ser). This variant is not present in population databases (gnomAD no frequency). In summary, the available evidence is currently insufficient to determine the role of this variant in disease. Therefore, it has been classified as a Variant of Uncertain Significance. Algorithms developed to predict the effect of missense changes on protein structure and function are either unavailable or do not agree on the potential impact of this missense change (SIFT: "Deleterious"; PolyPhen-2: "Benign"; Align-GVGD: "Class C55"). This variant has not been reported in the literature in individuals affected with NBAS-related conditions.

NM_015909.4(NBAS):c.1658C>G (p.Thr553Ser)

Gene: NBAS (NBAS subunit of NRZ tethering complex; minus strand). Cytogenetic location: 2p24.3.
Variant type: single nucleotide variant.
Coding change: c.1658C>G on transcript NM_015909.4 (MANE Select); coding-DNA position 1658, C replaced by G.
Protein change: p.Thr553Ser; replaces threonine 553 with serine.
Molecular consequence: missense variant. On other transcripts: non-coding transcript variant (1).
Genome position (GRCh38, 1-based): chr2:15,473,289, G>C on the plus strand (C>G on the coding strand, the complement: NBAS is on the minus strand). VCF-style: chr2-15473289-G-C. GRCh37 (hg19) VCF-style: chr2-15613413-G-C.
Other names: short protein forms T553S.
Identifiers: ClinVar variation 1716447 (VCV001716447.5), dbSNP rs2528133625, ClinGen allele CA345886261.